The following is an entry in ClinVar:

ClinVar aggregate classification (germline): Uncertain significance (1 of 4 stars; one submission).

Conditions:
Telangiectasia, hereditary hemorrhagic, type 5 (HHT5). Identifiers: Orphanet 774, MedGen C3809710, MONDO:0014217, OMIM 615506.

Allele frequency attached by ClinVar (database versions not stated): gnomAD exomes below 0.00001 and 0.00001; gnomAD 0.00001; ExAC 0.00002; TOPMed 0.00002.
gnomAD v4.1: 9 of 1,611,940 alleles (0.00056%); highest among the groups gnomAD compares: African/African-American, 0.0013%; no homozygotes.

Submission:

Labcorp Genetics (formerly Invitae), Labcorp
Classification: Uncertain significance for Telangiectasia, hereditary hemorrhagic, type 5. Last evaluated: 2016-06-20. Review status: criteria provided, single submitter. Criteria: Invitae Variant Classification Sherloc (09022015). Collection method: clinical testing. Allele origin: germline.
Comment: In summary, this variant is a rare missense change with uncertain impact on protein function. There is no indication that it causes disease, but the available evidence is currently insufficient to prove that conclusively. Therefore, it has been classified as a Variant of Uncertain Significance. Algorithms developed to predict the effect of missense changes on protein structure and function do not agree on the potential impact of this missense change (SIFT: "Deleterious"; PolyPhen-2: "Probably Damaging"; Align-GVGD: "Class C0"). This variant is present in population databases (rs142466901, ExAC <0.01%) but has not been reported in the literature in individuals with a GDF2-related disease. This sequence change replaces tyrosine with histidine at codon 96 of the GDF2 protein (p.Tyr96His). The tyrosine residue is highly conserved and there is a moderate physicochemical difference between tyrosine and histidine.

NM_016204.4(GDF2):c.286T>C (p.Tyr96His)

Gene: GDF2 (growth differentiation factor 2; plus strand). Cytogenetic location: 10q11.22.
Variant type: single nucleotide variant.
Coding change: c.286T>C on transcript NM_016204.4 (MANE Select); coding-DNA position 286, T replaced by C.
Protein change: p.Tyr96His; replaces tyrosine 96 with histidine.
Molecular consequence: missense variant.
Genome position (GRCh38, 1-based): chr10:47,322,954, T>C. VCF-style: chr10-47322954-T-C. GRCh37 (hg19) VCF-style: chr10-48416408-A-G.
Other names: short protein forms Y96H.
Identifiers: ClinVar variation 474671 (VCV000474671.6), dbSNP rs142466901, ClinGen allele CA5488177.